The following is an entry in ClinVar:

Conditions:
Breast-ovarian cancer, familial, susceptibility to, 1 (BROVCA1). Also called: BRCA1 Hereditary Breast and Ovarian Cancer; OVARIAN CANCER, SUSCEPTIBILITY TO. Identifiers: Orphanet 145, MedGen C2676676, MONDO:0011450, OMIM 604370. Disease mechanism: loss of function.

Submission:

Brotman Baty Institute, University of Washington
No classification provided (evidence only). Condition: Breast-ovarian cancer, familial 1. Review status: no classification provided. Collection method: in vitro. Allele origin: not applicable. Functional consequence: functionally_abnormal.
ClinVar note: "not provided" was previously submitted as the classification for the variant. However, the classification appeared to be based only on an observation of functional data so it was converted to no classification on 2025-07-30.

NM_007294.4(BRCA1):c.4955T>G (p.Met1652Arg)

Gene: BRCA1 (BRCA1 DNA repair associated; minus strand). Cytogenetic location: 17q21.31.
Variant type: single nucleotide variant.
Coding change: c.4955T>G on transcript NM_007294.4 (MANE Select); coding-DNA position 4955, T replaced by G.
Protein change: p.Met1652Arg; replaces methionine 1652 with arginine.
Molecular consequence: missense variant. On other transcripts: non-coding transcript variant (1).
Genome position (GRCh38, 1-based): chr17:43,070,959, A>C on the plus strand (T>G on the coding strand, the complement: BRCA1 is on the minus strand). VCF-style: chr17-43070959-A-C. GRCh37 (hg19) VCF-style: chr17-41222976-A-C.
Other names: c.4742T>G, p.Met1581Arg (NM_001407571.1, NM_001407897.1, NM_001407898.1 and 12 more transcripts); c.5021T>G, p.Met1674Arg (NM_001407581.1, NM_001407582.1); c.5018T>G, p.Met1673Arg (NM_001407583.1, NM_001407585.1, NM_001407587.1 and 1 more transcripts); c.5015T>G, p.Met1672Arg (NM_001407590.1, NM_001407591.1); c.4955T>G, p.Met1652Arg (NM_001407593.1, NM_001407594.1, NM_001407596.1 and 8 more transcripts); c.4952T>G, p.Met1651Arg (NM_001407610.1, NM_001407611.1, NM_001407612.1 and 17 more transcripts); c.4949T>G, p.Met1650Arg (NM_001407627.1, NM_001407628.1, NM_001407629.1 and 14 more transcripts); c.4943T>G, p.Met1648Arg (NM_001407646.1); and 70 more; short protein forms M1605R, M548R, M1652R, M1673R, M1483R, M1498R, M1523R, M1524R.
Identifiers: ClinVar variation 868449 (VCV000868449.3), dbSNP rs80356968, ClinGen allele CA10591613.